The following is an entry in ClinVar:

NM_000153.4(GALC):c.1251+1del

Gene: GALC (galactosylceramidase; minus strand). Cytogenetic location: 14q31.3.
Variant type: Deletion.
Coding change: c.1251+1del on transcript NM_000153.4 (MANE Select); the canonical splice donor site of the intron after coding-DNA position 1251, one base deleted (G; older notation c.1251+1delG).
Molecular consequence: splice donor variant.
Genome position (GRCh38, 1-based): chr14:87,950,658, C deleted on the plus strand (G on the coding strand, the reverse complement: GALC is on the minus strand). VCF-style (leftmost placement, unchanged base first): chr14-87950657-AC-A. GRCh37 (hg19) VCF-style: chr14-88417001-AC-A.
Other names: c.618+1del (NM_001424076.1, NM_001424077.1); c.1173+1del (NM_001201402.2); c.1182+1del (NM_001201401.2); c.903+1del (NM_001424075.1, NM_001424074.1); c.1083+1del (NM_001424072.1, NM_001424073.1, NM_001424071.1).
Identifiers: ClinVar variation 2700373 (VCV002700373.3), dbSNP rs2503375681, ClinGen allele CA2697554078.
Genomic context (GRCh38, chr14:87,950,657, plus strand): 5'-CTGTGACAGAATATATAAATTCTTAAATCAAAACTAAAATAAAGTTAAACATATTTACTT[AC>A]AAAAGATCCCTTAAGAACAAAGGTGGCAAATTGTTGTGACACATTGAAATAAGGAAGAAA-3'

ClinVar aggregate classification (germline): Likely pathogenic (1 of 4 stars; one submission).

Conditions:
Galactosylceramide beta-galactosidase deficiency. Also called: Leukodystrophy, Globoid Cell; Krabbe Disease; GALACTOCEREBROSIDASE DEFICIENCY; GALC DEFICIENCY; GLOBOID CELL LEUKOENCEPHALOPATHY. Identifiers: Orphanet 487, MedGen C0023521, MONDO:0009499, OMIM 245200.

Submission:

Labcorp Genetics (formerly Invitae), Labcorp
Classification: Likely pathogenic for Galactosylceramide beta-galactosidase deficiency. Last evaluated: 2023-12-02. Review status: criteria provided, single submitter. Criteria: Invitae Variant Classification Sherloc (09022015). Collection method: clinical testing. Allele origin: germline.
Comment: This sequence change affects a splice site in intron 11 of the GALC gene. It is expected to disrupt RNA splicing. Variants that disrupt the donor or acceptor splice site typically lead to a loss of protein function (PMID: 16199547), and loss-of-function variants in GALC are known to be pathogenic (PMID: 7437911, 9272171, 16607461). This variant is not present in population databases (gnomAD no frequency). This variant has not been reported in the literature in individuals affected with GALC-related conditions. Algorithms developed to predict the effect of sequence changes on RNA splicing suggest that this variant may disrupt the consensus splice site. In summary, the currently available evidence indicates that the variant is pathogenic, but additional data are needed to prove that conclusively. Therefore, this variant has been classified as Likely Pathogenic.

Literature cited by the submitters: PubMed 16199547; PubMed 7437911; PubMed 9272171; PubMed 16607461.